The following is an entry in ClinVar:

NM_004944.4(DNASE1L3):c.61A>G (p.Met21Val)

Gene: DNASE1L3 (deoxyribonuclease 1L3; minus strand). Cytogenetic location: 3p14.3.
Variant type: single nucleotide variant.
Coding change: c.61A>G on transcript NM_004944.4 (MANE Select); coding-DNA position 61, A replaced by G.
Protein change: p.Met21Val; replaces methionine 21 with valine.
Molecular consequence: missense variant.
Genome position (GRCh38, 1-based): chr3:58,210,846, T>C on the plus strand (A>G on the coding strand, the complement: DNASE1L3 is on the minus strand). VCF-style: chr3-58210846-T-C. GRCh37 (hg19) VCF-style: chr3-58196573-T-C.
Other names: c.61A>G, p.Met21Val (NM_001256560.2); c.61A>G (NM_004944.2); short protein forms M21V.
Identifiers: ClinVar variation 1377795 (VCV001377795.4), dbSNP rs773782186, ClinGen allele CA75481603.

ClinVar aggregate classification (germline): Uncertain significance. Review status: criteria provided, multiple submitters, no conflicts (2 of 4 stars). 2 submissions from 2 submitters: Uncertain significance (2). Last evaluated 2022-10-04.

Conditions:
Inborn genetic diseases. Identifiers: MedGen C0950123, MeSH D030342.

Allele frequency attached by ClinVar (database versions not stated): gnomAD 0.00001; gnomAD exomes 0.00001.
gnomAD v4.1: 17 of 1,614,044 alleles (0.0011%); highest among the groups gnomAD compares: East Asian, 0.0022%; no homozygotes.

Submissions (2):

Ambry Genetics
Classification: Uncertain significance for Inborn genetic diseases. Last evaluated: 2022-10-04. Review status: criteria provided, single submitter. Criteria: Ambry Variant Classification Scheme 2023. Collection method: clinical testing. Allele origin: germline.

Labcorp Genetics (formerly Invitae), Labcorp
Classification: Uncertain significance. Last evaluated: 2021-08-26. Review status: criteria provided, single submitter. Criteria: Invitae Variant Classification Sherloc (09022015). Collection method: clinical testing. Allele origin: germline.
Comment: This sequence change replaces methionine with valine at codon 21 of the DNASE1L3 protein (p.Met21Val). The methionine residue is weakly conserved and there is a small physicochemical difference between methionine and valine. This variant is not present in population databases (ExAC no frequency). This variant has not been reported in the literature in individuals affected with DNASE1L3-related conditions. Algorithms developed to predict the effect of missense changes on protein structure and function are either unavailable or do not agree on the potential impact of this missense change (SIFT: "Deleterious"; PolyPhen-2: "Benign"; Align-GVGD: "Class C0"). Algorithms developed to predict the effect of sequence changes on RNA splicing suggest that this variant may create or strengthen a splice site. In summary, the available evidence is currently insufficient to determine the role of this variant in disease. Therefore, it has been classified as a Variant of Uncertain Significance.